The following is an entry in ClinVar:

ClinVar aggregate classification (germline): Uncertain significance (1 of 4 stars; one submission).

Conditions:
Inborn genetic diseases. Identifiers: MedGen C0950123, MeSH D030342.

Allele frequency attached by ClinVar (database versions not stated): ExAC 0.00001; gnomAD 0.00001.
gnomAD v4.1: 27 of 1,370,888 alleles (0.002%); highest among the groups gnomAD compares: Non-Finnish European, 0.0023%; no homozygotes.

Submission:

Ambry Genetics
Classification: Uncertain significance for Inborn genetic diseases. Last evaluated: 2021-02-12. Review status: criteria provided, single submitter. Criteria: Ambry Variant Classification Scheme 2023. Collection method: clinical testing. Allele origin: germline.
Comment: The c.63+3C>T intronic alteration consists of a C to T substitution nucleotides after coding exon 1 in the CUX1 gene. In silico splice site analysis for this alteration is inconclusive. Based on insufficient or conflicting evidence, the clinical significance of this alteration remains unclear.

NM_001913.5(CUX1):c.63+3C>T

Gene: CUX1 (cut like homeobox 1; plus strand). Cytogenetic location: 7q22.1.
Variant type: single nucleotide variant.
Coding change: c.63+3C>T on transcript NM_001913.5 (MANE Plus Clinical); 3 bases into the intron after coding-DNA position 63, C replaced by T.
Molecular consequence: intron variant.
Genome position (GRCh38, 1-based): chr7:101,816,096, C>T. VCF-style: chr7-101816096-C-T. GRCh37 (hg19) VCF-style: chr7-101459376-C-T.
Other names: c.63+3C>T (NM_181500.4, NM_001202545.3, NM_001202544.3 and 2 more transcripts).
Identifiers: ClinVar variation 2228985 (VCV002228985.2), dbSNP rs761227961, ClinGen allele CA4410277.
Genomic context (GRCh38, chr7:101,816,096, plus strand): 5'-GGCCAATGTGGGATCGATGTTTCAATATTGGAAGCGCTTTGATTTACAGCAGCTGCAGGT[C>T]AGGCTCCTCCGCGCTCGGCCTCGCGCCCGGGGGTGGGGGCTGCGGGCGGTCGCGGCCTCC-3'